The following is an entry in ClinVar:

NM_022356.4(P3H1):c.618+4A>G

Gene: P3H1 (prolyl 3-hydroxylase 1; minus strand). Cytogenetic location: 1p34.2.
Variant type: single nucleotide variant.
Coding change: c.618+4A>G on transcript NM_022356.4 (MANE Select); 4 bases into the intron after coding-DNA position 618, A replaced by G.
Molecular consequence: intron variant.
Genome position (GRCh38, 1-based): chr1:42,762,319, T>C on the plus strand (A>G on the coding strand, the complement: P3H1 is on the minus strand). VCF-style: chr1-42762319-T-C. GRCh37 (hg19) VCF-style: chr1-43227990-T-C.
Other names: c.618+4A>G (NM_001146289.2, NM_001243246.2).
Identifiers: ClinVar variation 663387 (VCV000663387.6), dbSNP rs191121940, ClinGen allele CA802139.

ClinVar aggregate classification (germline): Uncertain significance. Review status: criteria provided, single submitter (1 of 4 stars). 2 submissions from 2 submitters: Uncertain significance (1). 1 of the submissions does not count toward it. Last evaluated 2022-07-15.

Conditions:
P3H1-related disorder. Also called: P3H1-related condition.
Osteogenesis imperfecta type 8 (OI8). Identifiers: MedGen C1970458, MONDO:0012581, OMIM 610915.

Allele frequency attached by ClinVar (database versions not stated): gnomAD 0.00001 and 0.00002; gnomAD exomes 0.00002 and 0.00003; TOPMed 0.00002; ExAC 0.00003; 1000 Genomes Project 0.00020; 1000 Genomes Project 30x 0.00031.
gnomAD v4.1: 38 of 1,613,834 alleles (0.0024%); highest among the groups gnomAD compares: Admixed American, 0.015%; no homozygotes.

Submissions (3):

Labcorp Genetics (formerly Invitae), Labcorp
Classification: Uncertain significance for Osteogenesis imperfecta type 8. Last evaluated: 2022-07-15. Review status: criteria provided, single submitter. Criteria: Invitae Variant Classification Sherloc (09022015). Collection method: clinical testing. Allele origin: germline.
Comment: This sequence change falls in intron 2 of the P3H1 gene. It does not directly change the encoded amino acid sequence of the P3H1 protein. It affects a nucleotide within the consensus splice site. This variant is present in population databases (rs191121940, gnomAD 0.009%). This variant has not been reported in the literature in individuals affected with P3H1-related conditions. ClinVar contains an entry for this variant (Variation ID: 663387). Variants that disrupt the consensus splice site are a relatively common cause of aberrant splicing (PMID: 17576681, 9536098). Algorithms developed to predict the effect of sequence changes on RNA splicing suggest that this variant may disrupt the consensus splice site. In summary, the available evidence is currently insufficient to determine the role of this variant in disease. Therefore, it has been classified as a Variant of Uncertain Significance.

PreventionGenetics, part of Exact Sciences
Classification: Likely benign for P3H1-related condition. Last evaluated: 2019-06-23. Review status: no assertion criteria provided. Collection method: clinical testing. Allele origin: germline. Not counted in ClinVar's aggregate classification.
Comment: This variant is classified as likely benign based on ACMG/AMP sequence variant interpretation guidelines (Richards et al. 2015 PMID: 25741868, with internal and published modifications).

Dr. Peter K. Rogan Lab, Western University
No classification provided (evidence only). Condition: Sarcoma. Review status: no classification provided. Collection method: in vitro. Allele origin: not applicable. Functional consequence: retained intron. Not counted in ClinVar's aggregate classification.

Literature cited by the submitters: PubMed 17576681 (cited by Labcorp Genetics (formerly Invitae), Labcorp); PubMed 9536098 (cited by Labcorp Genetics (formerly Invitae), Labcorp).